The following is an entry in ClinVar:

NM_000322.5(PRPH2):c.584G>C (p.Arg195Pro)

Gene: PRPH2 (peripherin 2; minus strand). Cytogenetic location: 6p21.1.
Variant type: single nucleotide variant.
Coding change: c.584G>C on transcript NM_000322.5 (MANE Select); coding-DNA position 584, G replaced by C.
Protein change: p.Arg195Pro; replaces arginine 195 with proline.
Molecular consequence: missense variant.
Genome position (GRCh38, 1-based): chr6:42,704,609, C>G on the plus strand (G>C on the coding strand, the complement: PRPH2 is on the minus strand). VCF-style: chr6-42704609-C-G. GRCh37 (hg19) VCF-style: chr6-42672347-C-G.
Other names: short protein forms R195P.
Identifiers: ClinVar variation 866845 (VCV000866845.7), dbSNP rs121918567, ClinGen allele CA364135880.

ClinVar aggregate classification (germline): Conflicting classifications of pathogenicity. Review status: criteria provided, conflicting classifications (1 of 4 stars). 2 submissions from 2 submitters: Likely pathogenic (1); Uncertain significance (1). Last evaluated 2023-11-27.

Conditions:
PRPH2-related disorder. Also called: PRPH2-related condition; PRPH2-related disorders. Identifiers: MedGen CN239395.

gnomAD v4.1: 7 of 1,614,148 alleles (0.00043%); highest among the groups gnomAD compares: Non-Finnish European, 0.00059%; no homozygotes.

Submissions (2):

Labcorp Genetics (formerly Invitae), Labcorp
Classification: Uncertain significance for PRPH2-related disorder. Last evaluated: 2023-11-27. Review status: criteria provided, single submitter. Criteria: Invitae Variant Classification Sherloc (09022015). Collection method: clinical testing. Allele origin: germline.
Comment: This sequence change replaces arginine, which is basic and polar, with proline, which is neutral and non-polar, at codon 195 of the PRPH2 protein (p.Arg195Pro). This variant is not present in population databases (gnomAD no frequency). This variant has not been reported in the literature in individuals affected with PRPH2-related conditions. ClinVar contains an entry for this variant (Variation ID: 866845). An algorithm developed to predict the effect of missense changes on protein structure and function (PolyPhen-2) suggests that this variant is likely to be disruptive. This variant disrupts the p.Arg195 amino acid residue in PRPH2. Other variant(s) that disrupt this residue have been determined to be pathogenic (PMID: 14557183, 20213611; Invitae). This suggests that this residue is clinically significant, and that variants that disrupt this residue are likely to be disease-causing. In summary, the available evidence is currently insufficient to determine the role of this variant in disease. Therefore, it has been classified as a Variant of Uncertain Significance.

Blueprint Genetics
Classification: Likely pathogenic for PRPH2-related disorders. Last evaluated: 2023-07-17. Review status: criteria provided, single submitter. Criteria: ACMG Guidelines, 2015. Collection method: clinical testing. Allele origin: germline. Affected: yes. Observed: 3 variant alleles.

Literature cited by the submitters: PubMed 14557183 (cited by Labcorp Genetics (formerly Invitae), Labcorp); PubMed 20213611 (cited by Labcorp Genetics (formerly Invitae), Labcorp).